The following is an entry in ClinVar:

ClinVar aggregate classification (germline): Conflicting classifications of pathogenicity. Review status: criteria provided, conflicting classifications (1 of 4 stars). 2 submissions from 2 submitters: Uncertain significance (1); Likely benign (1). Last evaluated 2026-06-15.

Conditions:
Cardiovascular phenotype. Identifiers: MedGen CN230736.

Submissions (2):

Ambry Genetics
Classification: Likely benign for Cardiovascular phenotype. Last evaluated: 2026-06-15. Review status: criteria provided, single submitter. Criteria: Ambry Variant Classification Scheme 2023. Collection method: clinical testing. Allele origin: germline.

Labcorp Genetics (formerly Invitae), Labcorp
Classification: Uncertain significance. Last evaluated: 2023-02-10. Review status: criteria provided, single submitter. Criteria: Invitae Variant Classification Sherloc (09022015). Collection method: clinical testing. Allele origin: germline.
Comment: An algorithm developed to predict the effect of missense changes on protein structure and function (PolyPhen-2) suggests that this variant is likely to be tolerated. In summary, the available evidence is currently insufficient to determine the role of this variant in disease. Therefore, it has been classified as a Variant of Uncertain Significance. This variant has not been reported in the literature in individuals affected with BGN-related conditions. This sequence change replaces glycine, which is neutral and non-polar, with alanine, which is neutral and non-polar, at codon 32 of the BGN protein (p.Gly32Ala). This variant is not present in population databases (gnomAD no frequency).

NM_001711.6(BGN):c.95G>C (p.Gly32Ala)

Gene: BGN (biglycan; plus strand). Cytogenetic location: Xq28.
Variant type: single nucleotide variant.
Coding change: c.95G>C on transcript NM_001711.6 (MANE Select); coding-DNA position 95, G replaced by C.
Protein change: p.Gly32Ala; replaces glycine 32 with alanine.
Molecular consequence: missense variant.
Genome position (GRCh38, 1-based): chrX:153,504,726, G>C. VCF-style: chrX-153504726-G-C. GRCh37 (hg19) VCF-style: chrX-152770184-G-C.
Other names: c.95G>C (NM_001711.4); short protein forms G32A.
Identifiers: ClinVar variation 2836060 (VCV002836060.4), dbSNP rs1230475012, ClinGen allele CA415067854.